The following is an entry in ClinVar:

NM_014956.5(CEP164):c.3531G>A (p.Ser1177=)

Gene: CEP164 (centrosomal protein 164; plus strand). Cytogenetic location: 11q23.3.
Variant type: single nucleotide variant.
Coding change: c.3531G>A on transcript NM_014956.5 (MANE Select); coding-DNA position 3531, G replaced by A.
Protein change: p.Ser1177=; no amino-acid change (serine 1177 retained).
Molecular consequence: synonymous variant.
Genome position (GRCh38, 1-based): chr11:117,407,954, G>A. VCF-style: chr11-117407954-G-A. GRCh37 (hg19) VCF-style: chr11-117278670-G-A.
Other names: c.3531G>A (NM_014956.4); c.3540G>A, p.Ser1180= (NM_001271933.2).
Identifiers: ClinVar variation 1574079 (VCV001574079.10), dbSNP rs776927406, ClinGen allele CA6295496.

ClinVar aggregate classification (germline): Likely benign. Review status: criteria provided, multiple submitters, no conflicts (2 of 4 stars). 3 submissions from 3 submitters: Likely benign (2). 1 of the submissions does not count toward it. Last evaluated 2025-07-21.

Conditions:
CEP164-related disorder. Also called: CEP164-related condition.
Nephronophthisis 15 (NPHP15). Identifiers: Orphanet 3156, MedGen C3541853, MONDO:0013917, OMIM 614845.

Allele frequency attached by ClinVar (database versions not stated): gnomAD 0.00001; gnomAD exomes 0.00001; ExAC 0.00006.
gnomAD v4.1: 11 of 1,599,936 alleles (0.00069%); highest among the groups gnomAD compares: Admixed American, 0.0069%; no homozygotes.

Submissions (3):

Labcorp Genetics (formerly Invitae), Labcorp
Classification: Likely benign for Nephronophthisis 15. Last evaluated: 2025-07-21. Review status: criteria provided, single submitter. Criteria: Invitae Variant Classification Sherloc (09022015). Collection method: clinical testing. Allele origin: germline.

Blueprint Genetics
Classification: Likely benign. Last evaluated: 2022-12-23. Review status: criteria provided, single submitter. Criteria: ACMG Guidelines, 2015. Collection method: clinical testing. Allele origin: germline.

PreventionGenetics, part of Exact Sciences
Classification: Likely benign for CEP164-related condition. Last evaluated: 2024-07-25. Review status: no assertion criteria provided. Collection method: clinical testing. Allele origin: germline. Not counted in ClinVar's aggregate classification.
Comment: This variant is classified as likely benign based on ACMG/AMP sequence variant interpretation guidelines (Richards et al. 2015 PMID: 25741868, with internal and published modifications).